The following is an entry in ClinVar:

NM_020158.4(EXOSC5):c.408C>T (p.Ala136=)

Gene: EXOSC5 (exosome component 5; minus strand). Cytogenetic location: 19q13.2.
Variant type: single nucleotide variant.
Coding change: c.408C>T on transcript NM_020158.4 (MANE Select); coding-DNA position 408, C replaced by T.
Protein change: p.Ala136=; no amino-acid change (alanine 136 retained).
Molecular consequence: synonymous variant.
Genome position (GRCh38, 1-based): chr19:41,389,882, G>A on the plus strand (C>T on the coding strand, the complement: EXOSC5 is on the minus strand). VCF-style: chr19-41389882-G-A. GRCh37 (hg19) VCF-style: chr19-41895787-G-A.
Identifiers: ClinVar variation 3770712 (VCV003770712.13).

ClinVar aggregate classification (germline): Likely benign (1 of 4 stars; one submission).

gnomAD v4.1: 23 of 1,611,502 alleles (0.0014%); highest among the groups gnomAD compares: South Asian, 0.0033%; no homozygotes.

Submission:

CeGaT Center for Human Genetics Tuebingen
Classification: Likely benign. Last evaluated: 2025-01-01. Review status: criteria provided, single submitter. Criteria: CeGaT Center For Human Genetics Tuebingen Variant Classification Criteria Version 2. Collection method: clinical testing. Allele origin: germline. Affected: yes. Observed: 1 variant allele.
Comment: EXOSC5: BP4, BP7